The following is an entry in ClinVar:

NM_183050.4(BCKDHB):c.23C>G (p.Ala8Gly)

Gene: BCKDHB (branched chain keto acid dehydrogenase E1 subunit beta; plus strand). Cytogenetic location: 6q14.1.
Variant type: single nucleotide variant.
Coding change: c.23C>G on transcript NM_183050.4 (MANE Select); coding-DNA position 23, C replaced by G.
Protein change: p.Ala8Gly; replaces alanine 8 with glycine.
Molecular consequence: missense variant. On other transcripts: non-coding transcript variant (1), intron variant (1).
Genome position (GRCh38, 1-based): chr6:80,106,716, C>G. VCF-style: chr6-80106716-C-G. GRCh37 (hg19) VCF-style: chr6-80816433-C-G.
Other names: c.23C>G, p.Ala8Gly (NM_000056.5); c.-15+33C>G (NM_001318975.1); short protein forms A8G.
Identifiers: ClinVar variation 2145846 (VCV002145846.1), dbSNP rs764784083, ClinGen allele CA3902476.

ClinVar aggregate classification (germline): Uncertain significance (1 of 4 stars; one submission).

Conditions:
Maple syrup urine disease (MSUD). Identifiers: Orphanet 511, MedGen C0024776, MeSH D008375, MONDO:0009563. Disease mechanism: loss of function.

Submission:

Labcorp Genetics (formerly Invitae), Labcorp
Classification: Uncertain significance for Maple syrup urine disease. Last evaluated: 2021-09-01. Review status: criteria provided, single submitter. Criteria: Invitae Variant Classification Sherloc (09022015). Collection method: clinical testing. Allele origin: germline.
Comment: This sequence change replaces alanine with glycine at codon 8 of the BCKDHB protein (p.Ala8Gly). The alanine residue is moderately conserved and there is a small physicochemical difference between alanine and glycine. The frequency data for this variant in the population databases is considered unreliable, as metrics indicate poor data quality at this position in the ExAC database. This variant has not been reported in the literature in individuals affected with BCKDHB-related conditions. In summary, the available evidence is currently insufficient to determine the role of this variant in disease. Therefore, it has been classified as a Variant of Uncertain Significance.